The following is an entry in ClinVar:

ClinVar aggregate classification (germline): Likely pathogenic (1 of 4 stars; one submission).

Conditions:
Peroxisome biogenesis disorder. Identifiers: Orphanet 79189, MedGen C1832200, MONDO:0019234. Disease mechanism: loss of function.

Submission:

Myriad Genetics, Inc.
Classification: Likely pathogenic for Peroxisome biogenesis disorder. Last evaluated: 2021-12-17. Review status: criteria provided, single submitter. Criteria: Myriad Autosomal Dominant, Autosomal Recessive and X-Linked Classification Criteria (2023). Collection method: clinical testing. Allele origin: unknown.
Comment: NM_000466.2(PEX1):c.1321delA(I441Ffs*5) is expected to be pathogenic in the context of peroxisome biogenesis disorder type 1. This variant is predicted to lead to an abnormal or absent protein product due to the creation of a premature termination codon in PEX1, a gene where loss-of-function variants are known to be pathogenic. Please note: this variant was assessed in the context of healthy population screening.

NM_000466.3(PEX1):c.1321del (p.Ile441fs)

Gene: PEX1 (peroxisomal biogenesis factor 1; minus strand). Cytogenetic location: 7q21.2.
Variant type: Deletion.
Coding change: c.1321del on transcript NM_000466.3 (MANE Select); coding-DNA position 1321, one base deleted (A; older notation c.1321delA).
Protein change: p.Ile441fs; shifts the reading frame from isoleucine 441.
Molecular consequence: frameshift variant.
Genome position (GRCh38, 1-based): chr7:92,513,886, T deleted on the plus strand (A on the coding strand, the reverse complement: PEX1 is on the minus strand); the first of 4 consecutive T bases (chr7:92,513,886-92,513,889); deleting any one gives the same sequence. VCF-style (leftmost placement, unchanged base first): chr7-92513885-AT-A. GRCh37 (hg19) VCF-style: chr7-92143199-AT-A.
Other names: c.1321del, p.Ile441fs (NM_001282677.2); c.697del, p.Ile233fs (NM_001282678.2); short protein forms I233fs, I441fs.
Identifiers: ClinVar variation 1726449 (VCV001726449.3), dbSNP rs2484692316, ClinGen allele CA2580078205.